The following is an entry in ClinVar:

ClinVar aggregate classification (germline): Conflicting classifications of pathogenicity. Review status: criteria provided, conflicting classifications (1 of 4 stars). 3 submissions from 3 submitters: Uncertain significance (2); Likely benign (1). Last evaluated 2025-05-12.

Conditions:
Charcot-Marie-Tooth disease type 2. Also called: Charcot-Marie-Tooth type 2. Identifiers: Orphanet 64746, MedGen C0270914, MONDO:0018993.
Neuroblastoma, susceptibility to, 1. Identifiers: MedGen C2749485, MONDO:0009741, OMIM 256700.
Charcot-Marie-Tooth disease type 2A1. Also called: CHARCOT-MARIE-TOOTH NEUROPATHY, TYPE 2A1; HEREDITARY MOTOR AND SENSORY NEUROPATHY IIA1; CHARCOT-MARIE-TOOTH DISEASE, AXONAL, TYPE 2A1; CHARCOT-MARIE-TOOTH DISEASE, AXONAL, AUTOSOMAL DOMINANT, TYPE 2A1; CHARCOT-MARIE-TOOTH DISEASE, NEURONAL, TYPE 2A1. Identifiers: Orphanet 99946, MedGen C1861678, MONDO:0007308, OMIM 118210.

gnomAD v4.1: 12 of 1,612,650 alleles (0.00074%); highest among the groups gnomAD compares: Admixed American, 0.02%; no homozygotes.

Submissions (3):

Labcorp Genetics (formerly Invitae), Labcorp
Classification: Uncertain significance for Charcot-Marie-Tooth disease type 2. Last evaluated: 2025-05-12. Review status: criteria provided, single submitter. Criteria: Invitae Variant Classification Sherloc (09022015). Collection method: clinical testing. Allele origin: germline.
Comment: This sequence change replaces serine, which is neutral and polar, with arginine, which is basic and polar, at codon 544 of the KIF1B protein (p.Ser544Arg). This variant is present in population databases (rs139764209, gnomAD 0.03%). This variant has not been reported in the literature in individuals affected with KIF1B-related conditions. ClinVar contains an entry for this variant (Variation ID: 843328). An algorithm developed to predict the effect of missense changes on protein structure and function (PolyPhen-2) suggests that this variant is likely to be tolerated. In summary, the available evidence is currently insufficient to determine the role of this variant in disease. Therefore, it has been classified as a Variant of Uncertain Significance.

Fulgent Genetics
Classification: Uncertain significance for Charcot-Marie-Tooth disease type 2A1; Neuroblastoma, susceptibility to, 1. Last evaluated: 2024-04-11. Review status: criteria provided, single submitter. Criteria: ACMG Guidelines, 2015. Collection method: clinical testing. Allele origin: germline.

Ambry Genetics
Classification: Likely benign. Last evaluated: 2022-10-12. Review status: criteria provided, single submitter. Criteria: Ambry Variant Classification Scheme 2023. Collection method: clinical testing. Allele origin: germline.

NM_001365951.3(KIF1B):c.1770C>G (p.Ser590Arg)

Gene: KIF1B (kinesin family member 1B; plus strand). Cytogenetic location: 1p36.22.
Variant type: single nucleotide variant.
Coding change: c.1770C>G on transcript NM_001365951.3 (MANE Select); coding-DNA position 1770, C replaced by G.
Protein change: p.Ser590Arg; replaces serine 590 with arginine.
Molecular consequence: missense variant.
Genome position (GRCh38, 1-based): chr1:10,295,759, C>G. VCF-style: chr1-10295759-C-G. GRCh37 (hg19) VCF-style: chr1-10355817-C-G.
Other names: c.1770C>G, p.Ser590Arg (NM_001365952.1); c.1632C>G, p.Ser544Arg (NM_001365953.1, NM_015074.3, NM_183416.4); short protein forms S544R, S590R.
Identifiers: ClinVar variation 843328 (VCV000843328.11), dbSNP rs139764209, ClinGen allele CA581071.